The following is an entry in ClinVar:

ClinVar aggregate classification (germline): Conflicting classifications of pathogenicity. Review status: criteria provided, conflicting classifications (1 of 4 stars). 6 submissions from 6 submitters: Uncertain significance (2); Likely benign (2). 2 of the submissions do not count toward it. Last evaluated 2026-01-11.

Conditions:
Retinitis pigmentosa (RP). Identifiers: Orphanet 791, MedGen C0035334, MeSH D012174, MONDO:0019200, OMIM 268000. Inheritance: Autosomal dominant, autosomal recessive and X linked inheritance.
Retinal dystrophy. Also called: Inherited retinal dystrophy. Identifiers: Orphanet 71862, MedGen C0854723, MeSH D058499, MONDO:0019118, HP:0000556.
Retinitis pigmentosa 25 (RP25). Identifiers: Orphanet 791, MedGen C1864446, MONDO:0011272, OMIM 602772.
EYS-related disorder. Also called: EYS-related condition.

Allele frequency attached by ClinVar (database versions not stated): gnomAD 0.00005 and 0.00006; TOPMed 0.00017.
gnomAD v4.1: 123 of 1,551,056 alleles (0.0079%); highest among the groups gnomAD compares: Admixed American, 0.14%; no homozygotes.

Submissions (6):

Labcorp Genetics (formerly Invitae), Labcorp
Classification: Likely benign. Last evaluated: 2026-01-11. Review status: criteria provided, single submitter. Criteria: Invitae Variant Classification Sherloc (09022015). Collection method: clinical testing. Allele origin: germline.

PreventionGenetics, part of Exact Sciences
Classification: Likely benign for EYS-related condition. Last evaluated: 2024-11-27. Review status: criteria provided, single submitter. Criteria: ACMG Guidelines, 2015. Collection method: clinical testing. Allele origin: germline.
Comment: This variant is classified as likely benign based on ACMG/AMP sequence variant interpretation guidelines (Richards et al. 2015 PMID: 25741868, with internal and published modifications).

Blueprint Genetics
Classification: Uncertain significance. Last evaluated: 2024-08-28. Review status: criteria provided, single submitter. Criteria: ACMG Guidelines, 2015. Collection method: clinical testing. Allele origin: germline.

Illumina Laboratory Services, Illumina
Classification: Uncertain significance for Retinitis pigmentosa. Last evaluated: 2018-01-13. Review status: criteria provided, single submitter. Criteria: ICSL Variant Classification Criteria 13 December 2019. Collection method: clinical testing. Allele origin: germline.

Natera, Inc.
Classification: Uncertain significance for Retinitis pigmentosa type 25. Last evaluated: 2019-10-28. Review status: no assertion criteria provided. Collection method: clinical testing. Allele origin: germline. Not counted in ClinVar's aggregate classification.

Institute of Human Genetics, Univ. Regensburg, Univ. Regensburg
Classification: Uncertain significance for Retinal dystrophy. Last evaluated: 2019-01-01. Review status: no assertion criteria provided. Criteria: ACMG Guidelines, 2015. Collection method: clinical testing. Allele origin: germline. Affected: yes. Not counted in ClinVar's aggregate classification.

NM_001142800.2(EYS):c.5140A>C (p.Thr1714Pro)

Gene: EYS (EGF-like photoreceptor maintenance factor; minus strand). Cytogenetic location: 6q12.
Variant type: single nucleotide variant.
Coding change: c.5140A>C on transcript NM_001142800.2 (MANE Select); coding-DNA position 5140, A replaced by C.
Protein change: p.Thr1714Pro; replaces threonine 1714 with proline.
Molecular consequence: missense variant.
Genome position (GRCh38, 1-based): chr6:64,590,727, T>G on the plus strand (A>C on the coding strand, the complement: EYS is on the minus strand). VCF-style: chr6-64590727-T-G. GRCh37 (hg19) VCF-style: chr6-65300620-T-G.
Other names: c.5140A>C, p.Thr1714Pro (NM_001292009.2); short protein forms T1714P.
Identifiers: ClinVar variation 357706 (VCV000357706.19), dbSNP rs201916371, ClinGen allele CA10624519.